The following is an entry in ClinVar:

NM_002439.5(MSH3):c.863A>T (p.His288Leu)

Gene: MSH3 (mutS homolog 3; plus strand). Cytogenetic location: 5q14.1.
Variant type: single nucleotide variant.
Coding change: c.863A>T on transcript NM_002439.5 (MANE Select); coding-DNA position 863, A replaced by T.
Protein change: p.His288Leu; replaces histidine 288 with leucine.
Molecular consequence: missense variant.
Genome position (GRCh38, 1-based): chr5:80,672,314, A>T. VCF-style: chr5-80672314-A-T. GRCh37 (hg19) VCF-style: chr5-79968133-A-T.
Other names: short protein forms H288L.
Identifiers: ClinVar variation 1467534 (VCV001467534.8), dbSNP rs2112813827, ClinGen allele CA360267206.

ClinVar aggregate classification (germline): Uncertain significance (1 of 4 stars; one submission).

Submission:

Labcorp Genetics (formerly Invitae), Labcorp
Classification: Uncertain significance. Last evaluated: 2021-02-19. Review status: criteria provided, single submitter. Criteria: Invitae Variant Classification Sherloc (09022015). Collection method: clinical testing. Allele origin: germline.
Comment: This sequence change replaces histidine with leucine at codon 288 of the MSH3 protein (p.His288Leu). The histidine residue is highly conserved and there is a moderate physicochemical difference between histidine and leucine. This variant is not present in population databases (ExAC no frequency). This variant has not been reported in the literature in individuals with MSH3-related conditions. Algorithms developed to predict the effect of missense changes on protein structure and function are either unavailable or do not agree on the potential impact of this missense change (SIFT: "Tolerated"; PolyPhen-2: "Probably Damaging"; Align-GVGD: "Class C0"). In summary, the available evidence is currently insufficient to determine the role of this variant in disease. Therefore, it has been classified as a Variant of Uncertain Significance.